The following is an entry in ClinVar:

ClinVar aggregate classification (germline): Uncertain significance. Review status: criteria provided, multiple submitters, no conflicts (2 of 4 stars). 2 submissions from 2 submitters: Uncertain significance (2). Last evaluated 2025-11-17.

Conditions:
Ehlers-Danlos syndrome, classic type, 1 (EDSCL1). Also called: Ehlers-Danlos Syndrome, Classic Type, COL5A1-Related; EHLERS-DANLOS SYNDROME, GRAVIS TYPE; EHLERS-DANLOS SYNDROME, SEVERE CLASSIC TYPE; Ehlers-Danlos syndrome, type 1; EDS I. Identifiers: MedGen C0268335, MONDO:0019567, OMIM 130000.

Submissions (2):

Labcorp Genetics (formerly Invitae), Labcorp
Classification: Uncertain significance for Ehlers-Danlos syndrome, classic type, 1. Last evaluated: 2025-11-17. Review status: criteria provided, single submitter. Criteria: Invitae Variant Classification Sherloc (09022015). Collection method: clinical testing. Allele origin: germline.
Comment: This variant, c.312_314del, results in the deletion of 1 amino acid(s) of the COL5A1 protein (p.Thr105del), but otherwise preserves the integrity of the reading frame. This variant is not present in population databases (gnomAD no frequency). This variant has not been reported in the literature in individuals affected with COL5A1-related conditions. Experimental studies and prediction algorithms are not available or were not evaluated, and the functional significance of this variant is currently unknown. In summary, the available evidence is currently insufficient to determine the role of this variant in disease. Therefore, it has been classified as a Variant of Uncertain Significance.

GeneDx
Classification: Uncertain significance. Last evaluated: 2018-04-21. Review status: criteria provided, single submitter. Criteria: GeneDx Variant Classification (06012015). Collection method: clinical testing. Allele origin: germline. Affected: yes.
Comment: The c.312_c.314delAAC variant in the COL5A1 gene has not been reported as a disease-causing mutation or as a benign polymorphism to our knowledge. c.312_c.314delAAC results in an in-frame deletion of a Threonine amino acid at codon 105, denoted p.Thr105del. No mutations in nearby codons have been reported in association with Ehlers-Danlos syndrome (EDS), indicating this region of the protein may be tolerant of change. However, the c.312_c.314delAAC variant was not observed in approximately 6,500 individuals of European and African American ancestry in the NHLBI Exome Sequencing Project, indicating it is not a common benign variant in these populations.With the clinical and molecular information available at this time, we cannot definitively determine if c.312_c.314delAAC is a disease-causing mutation or a rare benign variant. The pathogenic role for this variant would be further supported if it occurred de novo or if it co-segregates independently with an EDS phenotype.

NM_000093.5(COL5A1):c.309AAC[1] (p.Thr105del)

Gene: COL5A1 (collagen type V alpha 1 chain; plus strand). Cytogenetic location: 9q34.3.
Variant type: Microsatellite.
Coding change: c.309AAC[1] on transcript NM_000093.5 (MANE Select); one copy of the 3-base unit AAC starting at c.309; the reference has two copies in a row; one copy, 3 bases deleted.
Protein change: p.Thr105del; deletes threonine 105.
Molecular consequence: inframe deletion.
Genome position (GRCh38, 1-based): chr9:134,699,943-134,699,945, AAC deleted; deleting any 3 consecutive bases within chr9:134,699,940-134,699,945 gives the same sequence; the position shown is the placement nearest the transcript's 3' end. VCF-style (leftmost placement, unchanged base first): chr9-134699939-TAAC-T. GRCh37 (hg19) VCF-style: chr9-137591785-TAAC-T.
Other names: c.309AAC[1], p.Thr105del (NM_001278074.1); c.312_314delAAC (NM_001278074.1); short protein forms T105del.
Identifiers: ClinVar variation 213036 (VCV000213036.5), dbSNP rs863223476, ClinGen allele CA324241.